The following is an entry in ClinVar:

NM_022124.6(CDH23):c.7343T>C (p.Phe2448Ser)

Gene: CDH23 (cadherin related 23; plus strand). Cytogenetic location: 10q22.1.
Variant type: single nucleotide variant.
Coding change: c.7343T>C on transcript NM_022124.6 (MANE Select); coding-DNA position 7343, T replaced by C.
Protein change: p.Phe2448Ser; replaces phenylalanine 2448 with serine.
Molecular consequence: missense variant.
Genome position (GRCh38, 1-based): chr10:71,799,610, T>C. VCF-style: chr10-71799610-T-C. GRCh37 (hg19) VCF-style: chr10-73559367-T-C.
Other names: c.623T>C, p.Phe208Ser (NM_001171933.1, NM_001171934.1); short protein forms F208S, F2448S.
Identifiers: ClinVar variation 3254724 (VCV003254724.1), dbSNP rs2494405500.

ClinVar aggregate classification (germline): Uncertain significance (1 of 4 stars; one submission).

Conditions:
Usher syndrome type 1D (USH1D). Also called: USHER SYNDROME, TYPE ID. Identifiers: Orphanet 231169, Orphanet 886, MedGen C1832845, MONDO:0010984, OMIM 601067.

Allele frequency attached by ClinVar (database versions not stated): gnomAD exomes below 0.00001.
gnomAD v4.1: 3 of 1,614,010 alleles (0.00019%); highest among the groups gnomAD compares: Non-Finnish European, 0.00025%; no homozygotes.

Submission:

Victorian Clinical Genetics Services, Murdoch Childrens Research Institute
Classification: Uncertain significance for Usher syndrome type 1D. Last evaluated: 2023-07-17. Review status: criteria provided, single submitter. Criteria: ACMG Guidelines, 2015. Collection method: clinical testing. Allele origin: germline. Inheritance: Autosomal recessive inheritance. Affected: yes.
Comment: Based on the classification scheme VCGS_Germline_v1.3.4, this variant is classified as VUS-3B. Following criteria are met: 0102 - Loss of function is a known mechanism of disease in this gene and is associated with deafness 12 (MIM#601386) and Usher syndrome, type 1D/F (MIM#601067). (I) 0106 - This gene is associated with autosomal recessive disease. (I) 0200 - Variant is predicted to result in a missense amino acid change from phenylalanine to serine. (I) 0251 - This variant is heterozygous. (I) 0301 - Variant is absent from gnomAD (both v2 and v3). (SP) 0501 - Missense variant consistently predicted to be damaging by multiple in silico tools or highly conserved with a major amino acid change. (SP) 0600 - Variant is located in the annotated cadherin domain (DECIPHER). (I) 0705 - No comparable missense variants have previous evidence for pathogenicity. (I) 0807 - This variant has no previous evidence of pathogenicity. (I) 0905 - No published segregation evidence has been identified for this variant. (I) 1007 - No published functional evidence has been identified for this variant. (I) Legend: (SP) - Supporting pathogenic, (I) - Information, (SB) - Supporting benign